The following is an entry in ClinVar:

ClinVar aggregate classification (germline): Uncertain significance (1 of 4 stars; one submission).

gnomAD v4.1: 4 of 1,613,908 alleles (0.00025%); highest among the groups gnomAD compares: South Asian, 0.0011%; no homozygotes.

Submission:

GeneDx
Classification: Uncertain significance. Last evaluated: 2023-12-20. Review status: criteria provided, single submitter. Criteria: GeneDx Variant Classification Process June 2021. Collection method: clinical testing. Allele origin: germline. Affected: yes.
Comment: Not observed at significant frequency in large population cohorts (gnomAD); In silico analysis supports that this missense variant has a deleterious effect on protein structure/function; Has not been previously published as pathogenic or benign to our knowledge

NM_005862.3(STAG1):c.2152A>G (p.Arg718Gly)

Gene: STAG1 (STAG1 cohesin complex component; minus strand). Cytogenetic location: 3q22.3.
Variant type: single nucleotide variant.
Coding change: c.2152A>G on transcript NM_005862.3 (MANE Select); coding-DNA position 2152, A replaced by G.
Protein change: p.Arg718Gly; replaces arginine 718 with glycine.
Molecular consequence: missense variant.
Genome position (GRCh38, 1-based): chr3:136,417,929, T>C on the plus strand (A>G on the coding strand, the complement: STAG1 is on the minus strand). VCF-style: chr3-136417929-T-C. GRCh37 (hg19) VCF-style: chr3-136136771-T-C.
Other names: short protein forms R718G.
Identifiers: ClinVar variation 3370138 (VCV003370138.1).